The following is an entry in ClinVar:

ClinVar aggregate classification (germline): Conflicting classifications of pathogenicity. Review status: criteria provided, conflicting classifications (1 of 4 stars). 2 submissions from 2 submitters: Uncertain significance (1); Likely benign (1). Last evaluated 2024-11-11.

Submissions (2):

Labcorp Genetics (formerly Invitae), Labcorp
Classification: Uncertain significance. Last evaluated: 2024-11-11. Review status: criteria provided, single submitter. Criteria: Invitae Variant Classification Sherloc (09022015). Collection method: clinical testing. Allele origin: germline.
Comment: This sequence change replaces threonine, which is neutral and polar, with alanine, which is neutral and non-polar, at codon 156 of the ZNF513 protein (p.Thr156Ala). This variant is not present in population databases (gnomAD no frequency). This variant has not been reported in the literature in individuals affected with ZNF513-related conditions. ClinVar contains an entry for this variant (Variation ID: 1019364). An algorithm developed to predict the effect of missense changes on protein structure and function outputs the following: PolyPhen-2: "Benign". The alanine amino acid residue is found in multiple mammalian species, which suggests that this missense change does not adversely affect protein function. In summary, the available evidence is currently insufficient to determine the role of this variant in disease. Therefore, it has been classified as a Variant of Uncertain Significance.

Ambry Genetics
Classification: Likely benign. Last evaluated: 2023-04-07. Review status: criteria provided, single submitter. Criteria: Ambry Variant Classification Scheme 2023. Collection method: clinical testing. Allele origin: germline.

NM_144631.6(ZNF513):c.466A>G (p.Thr156Ala)

Gene: ZNF513 (zinc finger protein 513; minus strand). Cytogenetic location: 2p23.3.
Variant type: single nucleotide variant.
Coding change: c.466A>G on transcript NM_144631.6 (MANE Select); coding-DNA position 466, A replaced by G.
Protein change: p.Thr156Ala; replaces threonine 156 with alanine.
Molecular consequence: missense variant.
Genome position (GRCh38, 1-based): chr2:27,378,800, T>C on the plus strand (A>G on the coding strand, the complement: ZNF513 is on the minus strand). VCF-style: chr2-27378800-T-C. GRCh37 (hg19) VCF-style: chr2-27601667-T-C.
Other names: c.466A>G (NM_144631.5); c.280A>G, p.Thr94Ala (NM_001201459.2); short protein forms T156A, T94A.
Identifiers: ClinVar variation 1019364 (VCV001019364.8), dbSNP rs1683477844, ClinGen allele CA346218327.